The following is an entry in ClinVar:

NM_007194.4(CHEK2):c.321A>T (p.Glu107Asp)

Gene: CHEK2 (checkpoint kinase 2; minus strand). Cytogenetic location: 22q12.1.
Variant type: single nucleotide variant.
Coding change: c.321A>T on transcript NM_007194.4 (MANE Select); coding-DNA position 321, A replaced by T.
Protein change: p.Glu107Asp; replaces glutamic acid 107 with aspartic acid.
Molecular consequence: missense variant.
Genome position (GRCh38, 1-based): chr22:28,725,366, T>A on the plus strand (A>T on the coding strand, the complement: CHEK2 is on the minus strand). VCF-style: chr22-28725366-T-A. GRCh37 (hg19) VCF-style: chr22-29121354-T-A.
Other names: c.450A>T, p.Lys150Asn (NM_001005735.3); c.-457A>T (NM_001257387.3); c.321A>T, p.Glu107Asp (NM_001349956.3, NM_145862.3); short protein forms E107D, K150N.
Identifiers: ClinVar variation 2916151 (VCV002916151.3), dbSNP rs2518061817, ClinGen allele CA411108297.

ClinVar aggregate classification (germline): Uncertain significance (1 of 4 stars; one submission).

Conditions:
Familial cancer of breast. Also called: hereditary breast carcinoma; Hereditary breast cancer; BREAST CANCER, FAMILIAL. Identifiers: Orphanet 227535, MedGen C0346153, MONDO:0016419, OMIM 114480. Disease mechanism: loss of function.

Allele frequency attached by ClinVar (database versions not stated): gnomAD exomes below 0.00001.
gnomAD v4.1: 1 of 1,614,098 alleles (0.000062%); highest among the groups gnomAD compares: Non-Finnish European, 0.000085%; no homozygotes.

Submission:

Labcorp Genetics (formerly Invitae), Labcorp
Classification: Uncertain significance for Familial cancer of breast. Last evaluated: 2025-07-25. Review status: criteria provided, single submitter. Criteria: Invitae Variant Classification Sherloc (09022015). Collection method: clinical testing. Allele origin: germline.
Comment: This sequence change replaces glutamic acid, which is acidic and polar, with aspartic acid, which is acidic and polar, at codon 107 of the CHEK2 protein (p.Glu107Asp). This variant is not present in population databases (gnomAD no frequency). This variant has not been reported in the literature in individuals affected with CHEK2-related conditions. ClinVar contains an entry for this variant (Variation ID: 2916151). An algorithm developed to predict the effect of missense changes on protein structure and function (PolyPhen-2) suggests that this variant is likely to be tolerated. In summary, the available evidence is currently insufficient to determine the role of this variant in disease. Therefore, it has been classified as a Variant of Uncertain Significance.